The following is an entry in ClinVar:

NM_004958.4(MTOR):c.3472C>T (p.Pro1158Ser)

Gene: MTOR (mechanistic target of rapamycin kinase; minus strand). Cytogenetic location: 1p36.22.
Variant type: single nucleotide variant.
Coding change: c.3472C>T on transcript NM_004958.4 (MANE Select); coding-DNA position 3472, C replaced by T.
Protein change: p.Pro1158Ser; replaces proline 1158 with serine.
Molecular consequence: missense variant.
Genome position (GRCh38, 1-based): chr1:11,212,401, G>A on the plus strand (C>T on the coding strand, the complement: MTOR is on the minus strand). VCF-style: chr1-11212401-G-A. GRCh37 (hg19) VCF-style: chr1-11272458-G-A.
Other names: c.3472C>T, p.Pro1158Ser (NM_001386500.1); c.2224C>T, p.Pro742Ser (NM_001386501.1); short protein forms P742S, P1158S.
Identifiers: ClinVar variation 1406756 (VCV001406756.8), dbSNP rs368746676, ClinGen allele CA590213.

ClinVar aggregate classification (germline): Uncertain significance (1 of 4 stars; one submission).

Allele frequency attached by ClinVar (database versions not stated): gnomAD exomes below 0.00001; ExAC 0.00001; ESP Exome Variant Server 0.00008.

Submission:

Labcorp Genetics (formerly Invitae), Labcorp
Classification: Uncertain significance. Last evaluated: 2022-08-16. Review status: criteria provided, single submitter. Criteria: Invitae Variant Classification Sherloc (09022015). Collection method: clinical testing. Allele origin: germline.
Comment: This sequence change replaces proline, which is neutral and non-polar, with serine, which is neutral and polar, at codon 1158 of the MTOR protein (p.Pro1158Ser). In summary, the available evidence is currently insufficient to determine the role of this variant in disease. Therefore, it has been classified as a Variant of Uncertain Significance. Advanced modeling of protein sequence and biophysical properties (such as structural, functional, and spatial information, amino acid conservation, physicochemical variation, residue mobility, and thermodynamic stability) performed at Invitae indicates that this missense variant is expected to disrupt MTOR protein function. ClinVar contains an entry for this variant (Variation ID: 1406756). This variant has not been reported in the literature in individuals affected with MTOR-related conditions. This variant is present in population databases (rs368746676, gnomAD 0.007%).